The following is an entry in ClinVar:

ClinVar aggregate classification (germline): Uncertain significance (1 of 4 stars; one submission).

Submission:

Labcorp Genetics (formerly Invitae), Labcorp
Classification: Uncertain significance. Last evaluated: 2024-03-18. Review status: criteria provided, single submitter. Criteria: Invitae Variant Classification Sherloc (09022015). Collection method: clinical testing. Allele origin: germline.
Comment: This variant, c.330_332dup, results in the insertion of 1 amino acid(s) of the MRPL12 protein (p.Ala113dup), but otherwise preserves the integrity of the reading frame. This variant is present in population databases (no rsID available, gnomAD 0.003%). This variant has not been reported in the literature in individuals affected with MRPL12-related conditions. In summary, the available evidence is currently insufficient to determine the role of this variant in disease. Therefore, it has been classified as a Variant of Uncertain Significance.

NM_002949.4(MRPL12):c.327TGC[3] (p.Ala113_Gln114insAla)

Gene: MRPL12 (mitochondrial ribosomal protein L12; plus strand). Cytogenetic location: 17q25.3.
Variant type: Microsatellite.
Coding change: c.327TGC[3] on transcript NM_002949.4 (MANE Select); three copies in a row of the 3-base unit TGC starting at c.327; the reference has two copies in a row; one copy, 3 bases duplicated.
Protein change: p.Ala113_Gln114insAla.
Molecular consequence: inframe insertion.
Genome position (GRCh38, 1-based): chr17:81,704,701-81,704,703, TGC duplicated; duplicating any 3 consecutive bases within chr17:81,704,697-81,704,703 gives the same sequence; the position shown is the placement nearest the transcript's 3' end. VCF-style (leftmost placement, unchanged base first): chr17-81704696-C-CCTG. GRCh37 (hg19) VCF-style: chr17-79671726-C-CCTG.
Identifiers: ClinVar variation 1985649 (VCV001985649.4), dbSNP rs1190562820, ClinGen allele CA628023592.